The following is an entry in ClinVar:

ClinVar aggregate classification (germline): Uncertain significance (1 of 4 stars; one submission).

Conditions:
Polycystic kidney disease 4 (PKD4). Also called: PKD3; POLYCYSTIC KIDNEY AND HEPATIC DISEASE 1; POLYCYSTIC KIDNEY DISEASE, INFANTILE, TYPE I; POLYCYSTIC KIDNEY DISEASE 4 WITH OR WITHOUT POLYCYSTIC LIVER DISEASE; Autosomal Recessive Polycystic Kidney Disease – PKHD1. Identifiers: MedGen C4540575, MONDO:0033004, OMIM 263200.

Submission:

Centre for Mendelian Genomics, University Medical Centre Ljubljana
Classification: Uncertain significance for Polycystic kidney disease 4. Last evaluated: 2018-12-27. Review status: criteria provided, single submitter. Criteria: ACMG Guidelines, 2015. Collection method: clinical testing. Allele origin: unknown. Affected: yes.
Comment: This variant was classified as: Uncertain significance. The available evidence favors the pathogenic nature of this variant, however the currently available data is insufficient to conclusively support its pathogenic nature. Thus this variant is classified as Uncertain significance - favor pathogenic. The following ACMG criteria were applied in classifying this variant: PM2,PP3,PP5.

NM_138694.4(PKHD1):c.9625A>C (p.Ser3209Arg)

Gene: PKHD1 (PKHD1 ciliary IPT domain containing fibrocystin/polyductin; minus strand). Cytogenetic location: 6p12.3.
Variant type: single nucleotide variant.
Coding change: c.9625A>C on transcript NM_138694.4 (MANE Select); coding-DNA position 9625, A replaced by C.
Protein change: p.Ser3209Arg; replaces serine 3209 with arginine.
Molecular consequence: missense variant.
Genome position (GRCh38, 1-based): chr6:51,747,991, T>G on the plus strand (A>C on the coding strand, the complement: PKHD1 is on the minus strand). VCF-style: chr6-51747991-T-G. GRCh37 (hg19) VCF-style: chr6-51612789-T-G.
Other names: c.9625A>C, p.Ser3209Arg (NM_170724.3); short protein forms S3209R.
Identifiers: ClinVar variation 931939 (VCV000931939.3), dbSNP rs1785450007, ClinGen allele CA364420670.